The following is an entry in ClinVar:

ClinVar aggregate classification (germline): Conflicting classifications of pathogenicity. Review status: criteria provided, conflicting classifications (1 of 4 stars). 3 submissions from 3 submitters: Uncertain significance (1); Likely benign (1). 1 of the submissions does not count toward it. Last evaluated 2025-03-05.

Conditions:
LPIN1-related disorder. Also called: LPIN1-related condition.
Myoglobinuria, acute recurrent, autosomal recessive. Also called: Myoglobinuria, recurrent, autosomal recessive; MYOGLOBINURIA, FAMILIAL PAROXYSMAL PARALYTIC; RHABDOMYOLYSIS, ACUTE RECURRENT. Identifiers: Orphanet 99845, MedGen C1849386, MONDO:0009992, OMIM 268200.

Allele frequency attached by ClinVar (database versions not stated): gnomAD exomes 0.00003; ExAC 0.00005; TOPMed 0.00007; ESP Exome Variant Server 0.00023; 1000 Genomes Project 0.00040; 1000 Genomes Project 30x 0.00047.
gnomAD v4.1: 55 of 1,614,234 alleles (0.0034%); highest among the groups gnomAD compares: Admixed American, 0.0067%; no homozygotes.

Submissions (3):

Labcorp Genetics (formerly Invitae), Labcorp
Classification: Likely benign. Last evaluated: 2025-03-05. Review status: criteria provided, single submitter. Criteria: Invitae Variant Classification Sherloc (09022015). Collection method: clinical testing. Allele origin: germline.

Illumina Laboratory Services, Illumina
Classification: Uncertain significance for Myoglobinuria, acute recurrent, autosomal recessive. Last evaluated: 2018-01-12. Review status: criteria provided, single submitter. Criteria: ICSL Variant Classification Criteria 13 December 2019. Collection method: clinical testing. Allele origin: germline.

PreventionGenetics, part of Exact Sciences
Classification: Likely benign for LPIN1-related condition. Last evaluated: 2021-03-03. Review status: no assertion criteria provided. Collection method: clinical testing. Allele origin: germline. Not counted in ClinVar's aggregate classification.
Comment: This variant is classified as likely benign based on ACMG/AMP sequence variant interpretation guidelines (Richards et al. 2015 PMID: 25741868, with internal and published modifications).

NM_001349206.2(LPIN1):c.2043C>T (p.Asn681=)

Gene: LPIN1 (lipin 1; plus strand). Cytogenetic location: 2p25.1.
Variant type: single nucleotide variant.
Coding change: c.2043C>T on transcript NM_001349206.2 (MANE Select); coding-DNA position 2043, C replaced by T.
Protein change: p.Asn681=; no amino-acid change (asparagine 681 retained).
Molecular consequence: synonymous variant. On other transcripts: non-coding transcript variant (1).
Genome position (GRCh38, 1-based): chr2:11,804,452, C>T. VCF-style: chr2-11804452-C-T. GRCh37 (hg19) VCF-style: chr2-11944578-C-T.
Other names: c.1953C>T, p.Asn651= (NM_001261427.3); c.2190C>T, p.Asn730= (NM_001261428.3); c.1935C>T, p.Asn645= (NM_001349199.2, NM_145693.4); c.2013C>T, p.Asn671= (NM_001349200.2, NM_001349201.2); c.2040C>T, p.Asn680= (NM_001349202.2, NM_001349203.2); c.2043C>T, p.Asn681= (NM_001349204.2, NM_001349205.2); c.2133C>T, p.Asn711= (NM_001349207.2); c.2082C>T, p.Asn694= (NM_001349208.2).
Identifiers: ClinVar variation 893072 (VCV000893072.13), dbSNP rs372109726, ClinGen allele CA1533976.